The following is an entry in ClinVar:

NM_003722.5(TP63):c.1846C>T (p.Leu616Phe)

Gene: TP63 (tumor protein p63; plus strand). Cytogenetic location: 3q28.
Variant type: single nucleotide variant.
Coding change: c.1846C>T on transcript NM_003722.5 (MANE Select); coding-DNA position 1846, C replaced by T.
Protein change: p.Leu616Phe; replaces leucine 616 with phenylalanine.
Molecular consequence: missense variant. On other transcripts: 3 prime UTR variant (6).
Genome position (GRCh38, 1-based): chr3:189,894,305, C>T. VCF-style: chr3-189894305-C-T. GRCh37 (hg19) VCF-style: chr3-189612094-C-T.
Other names: c.*84C>T (NM_001114978.2, NM_001114981.2); c.1564C>T, p.Leu522Phe (NM_001114980.2); c.*74C>T (NM_001329144.2, NM_001329145.2, NM_001329149.2 and 1 more transcripts); c.1309C>T, p.Leu437Phe (NM_001329146.2); c.1834C>T, p.Leu612Phe (NM_001329148.2); c.1840C>T, p.Leu614Phe (NM_001329964.2); short protein forms L437F, L616F, L612F, L522F, L614F.
Identifiers: ClinVar variation 2895626 (VCV002895626.2), dbSNP rs2108873628, ClinGen allele CA355751328.

ClinVar aggregate classification (germline): Uncertain significance (1 of 4 stars; one submission).

Conditions:
TP63-Related Spectrum Disorders.

Submission:

Labcorp Genetics (formerly Invitae), Labcorp
Classification: Uncertain significance. Last evaluated: 2023-12-15. Review status: criteria provided, single submitter. Criteria: Invitae Variant Classification Sherloc (09022015). Collection method: clinical testing. Allele origin: germline.
Comment: This sequence change replaces leucine, which is neutral and non-polar, with phenylalanine, which is neutral and non-polar, at codon 616 of the TP63 protein (p.Leu616Phe). This variant is not present in population databases (gnomAD no frequency). This variant has not been reported in the literature in individuals affected with TP63-related conditions. Advanced modeling of protein sequence and biophysical properties (such as structural, functional, and spatial information, amino acid conservation, physicochemical variation, residue mobility, and thermodynamic stability) has been performed at Invitae for this missense variant, however the output from this modeling did not meet the statistical confidence thresholds required to predict the impact of this variant on TP63 protein function. In summary, the available evidence is currently insufficient to determine the role of this variant in disease. Therefore, it has been classified as a Variant of Uncertain Significance.